The following is an entry in ClinVar:

ClinVar aggregate classification (germline): Uncertain significance. Review status: criteria provided, multiple submitters, no conflicts (2 of 4 stars). 2 submissions from 2 submitters: Uncertain significance (2). Last evaluated 2024-04-08.

Conditions:
Inborn genetic diseases. Identifiers: MedGen C0950123, MeSH D030342.

Allele frequency attached by ClinVar (database versions not stated): gnomAD 0.00001; gnomAD exomes below 0.00001; TOPMed 0.00001.
gnomAD v4.1: 3 of 1,613,188 alleles (0.00019%); highest among the groups gnomAD compares: East Asian, 0.0067%; no homozygotes.

Submissions (2):

Ambry Genetics
Classification: Uncertain significance for Inborn genetic diseases. Last evaluated: 2024-04-08. Review status: criteria provided, single submitter. Criteria: Ambry Variant Classification Scheme 2023. Collection method: clinical testing. Allele origin: germline.

Labcorp Genetics (formerly Invitae), Labcorp
Classification: Uncertain significance. Last evaluated: 2022-06-27. Review status: criteria provided, single submitter. Criteria: Invitae Variant Classification Sherloc (09022015). Collection method: clinical testing. Allele origin: germline.
Comment: This sequence change replaces glutamine, which is neutral and polar, with arginine, which is basic and polar, at codon 221 of the NBAS protein (p.Gln221Arg). This variant is present in population databases (no rsID available, gnomAD 0.1%). This variant has not been reported in the literature in individuals affected with NBAS-related conditions. Algorithms developed to predict the effect of missense changes on protein structure and function (SIFT, PolyPhen-2, Align-GVGD) all suggest that this variant is likely to be disruptive. In summary, the available evidence is currently insufficient to determine the role of this variant in disease. Therefore, it has been classified as a Variant of Uncertain Significance.

NM_015909.4(NBAS):c.662A>G (p.Gln221Arg)

Gene: NBAS (NBAS subunit of NRZ tethering complex; minus strand). Cytogenetic location: 2p24.3.
Variant type: single nucleotide variant.
Coding change: c.662A>G on transcript NM_015909.4 (MANE Select); coding-DNA position 662, A replaced by G.
Protein change: p.Gln221Arg; replaces glutamine 221 with arginine.
Molecular consequence: missense variant. On other transcripts: non-coding transcript variant (1).
Genome position (GRCh38, 1-based): chr2:15,534,627, T>C on the plus strand (A>G on the coding strand, the complement: NBAS is on the minus strand). VCF-style: chr2-15534627-T-C. GRCh37 (hg19) VCF-style: chr2-15674751-T-C.
Other names: c.662A>G (NM_015909.2); short protein forms Q221R.
Identifiers: ClinVar variation 1523923 (VCV001523923.8), dbSNP rs1278336656, ClinGen allele CA345885111.